The following is an entry in ClinVar:

ClinVar aggregate classification (germline): Likely benign (0 of 4 stars; one submission).

Conditions:
TRAP1-related disorder. Also called: TRAP1-related condition.

Allele frequency attached by ClinVar (database versions not stated): gnomAD 0.00003; 1000 Genomes Project 30x 0.00016; 1000 Genomes Project 0.00020.
gnomAD v4.1: 58 of 1,613,186 alleles (0.0036%); highest among the groups gnomAD compares: Middle Eastern, 0.12%; no homozygotes.

Submission:

PreventionGenetics, part of Exact Sciences
Classification: Likely benign for TRAP1-related condition. Last evaluated: 2019-09-04. Review status: no assertion criteria provided. Collection method: clinical testing. Allele origin: germline.
Comment: This variant is classified as likely benign based on ACMG/AMP sequence variant interpretation guidelines (Richards et al. 2015 PMID: 25741868, with internal and published modifications).

NM_016292.3(TRAP1):c.252C>A (p.Ser84=)

Gene: TRAP1 (TNF receptor associated protein 1; minus strand). Cytogenetic location: 16p13.3.
Variant type: single nucleotide variant.
Coding change: c.252C>A on transcript NM_016292.3 (MANE Select); coding-DNA position 252, C replaced by A.
Protein change: p.Ser84=; no amino-acid change (serine 84 retained).
Molecular consequence: synonymous variant.
Genome position (GRCh38, 1-based): chr16:3,689,133, G>T on the plus strand (C>A on the coding strand, the complement: TRAP1 is on the minus strand). VCF-style: chr16-3689133-G-T. GRCh37 (hg19) VCF-style: chr16-3739134-G-T.
Other names: c.93C>A, p.Ser31= (NM_001272049.2).
Identifiers: ClinVar variation 3053516 (VCV003053516.2), dbSNP rs377222539, ClinGen allele CA7868775.